The following is an entry in ClinVar:

ClinVar aggregate classification (germline): Uncertain significance. Review status: criteria provided, multiple submitters, no conflicts (2 of 4 stars). 2 submissions from 2 submitters: Uncertain significance (2). Last evaluated 2025-06-16.

Conditions:
Inborn genetic diseases. Identifiers: MedGen C0950123, MeSH D030342.
Mendelian susceptibility to mycobacterial diseases due to partial STAT1 deficiency. Also called: IMMUNODEFICIENCY 31A, MYCOBACTERIOSIS, AUTOSOMAL DOMINANT; STAT1 DEFICIENCY, AUTOSOMAL DOMINANT; Immunodeficiency 31a. Identifiers: Orphanet 319595, MedGen C4013950, MONDO:0013956, OMIM 614892.
Immunodeficiency 31B. Also called: STAT1 DEFICIENCY, AUTOSOMAL RECESSIVE; IMMUNODEFICIENCY 31B, MYCOBACTERIAL AND VIRAL INFECTIONS, AUTOSOMAL RECESSIVE. Identifiers: Orphanet 391311, MedGen C3151088, MONDO:0013427, OMIM 613796.
Autoimmune enteropathy and endocrinopathy - susceptibility to chronic infections syndrome. Also called: Immunodeficiency 31C, autosomal dominant; Immunodeficiency 31C. Identifiers: Orphanet 391487, MedGen C3279990, MONDO:0013599, OMIM 614162.

Allele frequency attached by ClinVar (database versions not stated): TOPMed below 0.00001; gnomAD exomes below 0.00001 and 0.00001; gnomAD 0.00001.
gnomAD v4.1: 6 of 1,613,888 alleles (0.00037%); highest among the groups gnomAD compares: African/African-American, 0.0067%; no homozygotes.

Submissions (2):

Labcorp Genetics (formerly Invitae), Labcorp
Classification: Uncertain significance for Mendelian susceptibility to mycobacterial diseases due to partial STAT1 deficiency; Immunodeficiency 31B; Autoimmune enteropathy and endocrinopathy - susceptibility to chronic infections syndrome. Last evaluated: 2025-06-16. Review status: criteria provided, single submitter. Criteria: Invitae Variant Classification Sherloc (09022015). Collection method: clinical testing. Allele origin: germline.
Comment: This sequence change replaces threonine, which is neutral and polar, with alanine, which is neutral and non-polar, at codon 450 of the STAT1 protein (p.Thr450Ala). This variant is present in population databases (no rsID available, gnomAD 0.01%). This variant has not been reported in the literature in individuals affected with STAT1-related conditions. ClinVar contains an entry for this variant (Variation ID: 1447205). An algorithm developed to predict the effect of missense changes on protein structure and function (PolyPhen-2) suggests that this variant is likely to be tolerated. In summary, the available evidence is currently insufficient to determine the role of this variant in disease. Therefore, it has been classified as a Variant of Uncertain Significance.

Ambry Genetics
Classification: Uncertain significance for Inborn genetic diseases. Last evaluated: 2024-08-20. Review status: criteria provided, single submitter. Criteria: Ambry Variant Classification Scheme 2023. Collection method: clinical testing. Allele origin: germline.

NM_007315.4(STAT1):c.1348A>G (p.Thr450Ala)

Gene: STAT1 (signal transducer and activator of transcription 1; minus strand). Cytogenetic location: 2q32.2.
Variant type: single nucleotide variant.
Coding change: c.1348A>G on transcript NM_007315.4 (MANE Select); coding-DNA position 1348, A replaced by G.
Protein change: p.Thr450Ala; replaces threonine 450 with alanine.
Molecular consequence: missense variant.
Genome position (GRCh38, 1-based): chr2:190,983,740, T>C on the plus strand (A>G on the coding strand, the complement: STAT1 is on the minus strand). VCF-style: chr2-190983740-T-C. GRCh37 (hg19) VCF-style: chr2-191848466-T-C.
Other names: c.1348A>G (NM_007315.3); c.1288A>G, p.Thr430Ala (NM_001384880.1); c.1354A>G, p.Thr452Ala (NM_001384881.1, NM_001384884.1); c.1342A>G, p.Thr448Ala (NM_001384882.1); c.1249A>G, p.Thr417Ala (NM_001384883.1); c.1189A>G, p.Thr397Ala (NM_001384885.1); c.1348A>G, p.Thr450Ala (NM_001384886.1, NM_001384889.1, NM_139266.3); c.1255A>G, p.Thr419Ala (NM_001384887.1); and 3 more; short protein forms T420A, T430A, T440A, T450A, T452A, T419A, T448A, T397A.
Identifiers: ClinVar variation 1447205 (VCV001447205.7), dbSNP rs1364125268, ClinGen allele CA349917488.